The following is an entry in ClinVar:

ClinVar aggregate classification (germline): Uncertain significance (1 of 4 stars; one submission).

gnomAD v4.1: 17 of 1,611,820 alleles (0.0011%); highest among the groups gnomAD compares: Non-Finnish European, 0.0014%; no homozygotes.

Submission:

GeneDx
Classification: Uncertain significance. Last evaluated: 2025-01-27. Review status: criteria provided, single submitter. Criteria: GeneDx Variant Classification Process June 2021. Collection method: clinical testing. Allele origin: germline. Affected: yes.
Comment: Not observed at significant frequency in large population cohorts (gnomAD); In silico analysis supports a deleterious effect on splicing; In silico analysis indicates that this missense variant does not alter protein structure/function; Has not been previously published as pathogenic or benign to our knowledge

NM_138691.3(TMC1):c.56A>T (p.Glu19Val)

Gene: TMC1 (transmembrane channel like 1; plus strand). Cytogenetic location: 9q21.13.
Variant type: single nucleotide variant.
Coding change: c.56A>T on transcript NM_138691.3 (MANE Select); coding-DNA position 56, A replaced by T.
Protein change: p.Glu19Val; replaces glutamic acid 19 with valine.
Molecular consequence: missense variant.
Genome position (GRCh38, 1-based): chr9:72,688,748, A>T. VCF-style: chr9-72688748-A-T. GRCh37 (hg19) VCF-style: chr9-75303664-A-T.
Other names: short protein forms E19V.
Identifiers: ClinVar variation 4071775 (VCV004071775.1).